The following is an entry in ClinVar:

NM_001127222.2(CACNA1A):c.6630CCA[8] (p.His2219del)

Gene: CACNA1A (calcium voltage-gated channel subunit alpha1 A; minus strand). Cytogenetic location: 19p13.13.
Variant type: Microsatellite.
Coding change: c.6630CCA[8] on transcript NM_001127222.2 (MANE Select); eight copies in a row of the 3-base unit CCA starting at c.6630; the reference has nine copies in a row; one copy, 3 bases deleted.
Protein change: p.His2219del; deletes histidine 2219.
Molecular consequence: inframe deletion.
Genome position (GRCh38, 1-based): chr19:13,208,880-13,208,882, TGG deleted on the plus strand (CCA on the coding strand, the reverse complement: CACNA1A is on the minus strand); deleting any 3 consecutive bases within chr19:13,208,880-13,208,908 gives the same sequence; the position shown is the placement nearest the transcript's 3' end. VCF-style (leftmost placement, unchanged base first): chr19-13208879-ATGG-A. GRCh37 (hg19) VCF-style: chr19-13319693-ATGG-A.
Other names: c.6648CCA[8], p.His2225del (NM_000068.4, NM_023035.3); c.6633CCA[8], p.His2220del (NM_001127221.2); c.6639CCA[8], p.His2222del (NM_001174080.2); c.6657_6659delCCA (NM_001127221.1); c.6654_6656delCCA (NM_001127222.1); short protein forms H2220del, H2222del, H2219del, H2225del.
Identifiers: ClinVar variation 376955 (VCV000376955.43), dbSNP rs759331923, ClinGen allele CA9239304.
Genomic context (GRCh38, chr19:13,208,879, plus strand): 5'-CCGTGCCCGGCCGTGGTCCGGCCGTTCCTGGGCATAGCGGTCCTTGTCGGGGGGCGGGGG[ATGG>A]TGGTGGTGGTGGTGGTGGTGGTGGTGCTGTCGATGCTTCCGATCCTTGGGCCGGCCCCGC-3'

ClinVar aggregate classification (germline): Benign/Likely benign. Review status: criteria provided, multiple submitters, no conflicts (2 of 4 stars). 7 submissions from 7 submitters: Benign (2); Likely benign (4). 1 of the submissions does not count toward it. Last evaluated 2025-10-10.

Conditions:
Inborn genetic diseases. Identifiers: MedGen C0950123, MeSH D030342.
Developmental and epileptic encephalopathy, 42 (DEE42A). Also called: DEVELOPMENTAL AND EPILEPTIC ENCEPHALOPATHY 42A; EPILEPTIC ENCEPHALOPATHY, EARLY INFANTILE, 42A; Epileptic encephalopathy, early infantile, 42. Identifiers: MedGen C4310716, MONDO:0014917, OMIM 617106.
Episodic ataxia type 2 (EA2). Also called: ACETAZOLAMIDE-RESPONSIVE HEREDITARY PAROXYSMAL CEREBELLAR ATAXIA; ATAXIA, EPISODIC, WITH NYSTAGMUS; ATAXIA, FAMILIAL PAROXYSMAL; CEREBELLAR ATAXIA, PAROXYSMAL, ACETAZOLAMIDE-RESPONSIVE; CEREBELLOPATHY, HEREDITARY PAROXYSMAL; EPISODIC ATAXIA, NYSTAGMUS-ASSOCIATED. Identifiers: Orphanet 97, MedGen C1720416, MONDO:0007163, OMIM 108500.
CACNA1A-related disorder. Also called: CACNA1A-related condition.

Submissions (7):

Labcorp Genetics (formerly Invitae), Labcorp
Classification: Likely benign for Developmental and epileptic encephalopathy, 42; Episodic ataxia type 2. Last evaluated: 2025-10-10. Review status: criteria provided, single submitter. Criteria: Invitae Variant Classification Sherloc (09022015). Collection method: clinical testing. Allele origin: germline.

Blueprint Genetics
Classification: Likely benign. Last evaluated: 2024-11-26. Review status: criteria provided, single submitter. Criteria: ACMG Guidelines, 2015. Collection method: clinical testing. Allele origin: germline.

CeGaT Center for Human Genetics Tuebingen
Classification: Likely benign. Last evaluated: 2022-11-01. Review status: criteria provided, single submitter. Criteria: CeGaT Center For Human Genetics Tuebingen Variant Classification Criteria Version 2. Collection method: clinical testing. Allele origin: germline. Affected: yes. Observed: 1 variant allele.
Comment: CACNA1A: BS1

Ambry Genetics
Classification: Benign for Inborn genetic diseases. Last evaluated: 2017-02-24. Review status: criteria provided, single submitter. Criteria: Ambry Variant Classification Scheme 2023. Collection method: clinical testing. Allele origin: germline.

Center for Pediatric Genomic Medicine, Children's Mercy Hospital and Clinics
Classification: Likely benign. Last evaluated: 2016-09-21. Review status: criteria provided, single submitter. Criteria: ACMG Guidelines, 2015. Collection method: clinical testing. Allele origin: germline.
ClinVar note: Converted during submission from Likely Benign to Likely benign.

GeneDx
Classification: Benign. Last evaluated: 2016-06-21. Review status: criteria provided, single submitter. Criteria: GeneDx Variant Classification (06012015). Collection method: clinical testing. Allele origin: germline. Affected: yes.
Comment: This variant is considered likely benign or benign based on one or more of the following criteria: it is a conservative change, it occurs at a poorly conserved position in the protein, it is predicted to be benign by multiple in silico algorithms, and/or has population frequency not consistent with disease.

PreventionGenetics, part of Exact Sciences
Classification: Likely benign for CACNA1A-related condition. Last evaluated: 2020-03-23. Review status: no assertion criteria provided. Collection method: clinical testing. Allele origin: germline. Not counted in ClinVar's aggregate classification.
Comment: This variant is classified as likely benign based on ACMG/AMP sequence variant interpretation guidelines (Richards et al. 2015 PMID: 25741868, with internal and published modifications).